The following is an entry in ClinVar:

ClinVar aggregate classification (germline): Uncertain significance. Review status: criteria provided, multiple submitters, no conflicts (2 of 4 stars). 3 submissions from 3 submitters: Uncertain significance (3). Last evaluated 2025-04-28.

Conditions:
FASN-related disorder. Also called: FASN-related condition.
Epileptic encephalopathy. Identifiers: MedGen C0543888, HP:0200134.

Allele frequency attached by ClinVar (database versions not stated): TOPMed 0.00001.
gnomAD v4.1: 2 of 1,607,490 alleles (0.00012%); highest among the groups gnomAD compares: Admixed American, 0.0017%; no homozygotes.

Submissions (3):

Ambry Genetics
Classification: Uncertain significance. Last evaluated: 2025-04-28. Review status: criteria provided, single submitter. Criteria: Ambry Variant Classification Scheme 2023. Collection method: clinical testing. Allele origin: germline.

Labcorp Genetics (formerly Invitae), Labcorp
Classification: Uncertain significance for Epileptic encephalopathy. Last evaluated: 2024-04-29. Review status: criteria provided, single submitter. Criteria: Invitae Variant Classification Sherloc (09022015). Collection method: clinical testing. Allele origin: germline.
Comment: This sequence change replaces cysteine, which is neutral and slightly polar, with tyrosine, which is neutral and polar, at codon 2202 of the FASN protein (p.Cys2202Tyr). This variant is not present in population databases (gnomAD no frequency). This variant has not been reported in the literature in individuals affected with FASN-related conditions. ClinVar contains an entry for this variant (Variation ID: 2633229). An algorithm developed to predict the effect of missense changes on protein structure and function (PolyPhen-2) suggests that this variant is likely to be tolerated. In summary, the available evidence is currently insufficient to determine the role of this variant in disease. Therefore, it has been classified as a Variant of Uncertain Significance.

PreventionGenetics, part of Exact Sciences
Classification: Uncertain significance for FASN-related condition. Last evaluated: 2023-04-19. Review status: criteria provided, single submitter. Criteria: ACMG Guidelines, 2015. Collection method: clinical testing. Allele origin: germline.
Comment: The FASN c.6605G>A variant is predicted to result in the amino acid substitution p.Cys2202Tyr. To our knowledge, this variant has not been reported in the literature or in a large population database, indicating this variant is rare. At this time, the clinical significance of this variant is uncertain due to the absence of conclusive functional and genetic evidence.

NM_004104.5(FASN):c.6605G>A (p.Cys2202Tyr)

Gene: FASN (fatty acid synthase; minus strand). Cytogenetic location: 17q25.3.
Variant type: single nucleotide variant.
Coding change: c.6605G>A on transcript NM_004104.5 (MANE Select); coding-DNA position 6605, G replaced by A.
Protein change: p.Cys2202Tyr; replaces cysteine 2202 with tyrosine.
Molecular consequence: missense variant.
Genome position (GRCh38, 1-based): chr17:82,080,913, C>T on the plus strand (G>A on the coding strand, the complement: FASN is on the minus strand). VCF-style: chr17-82080913-C-T. GRCh37 (hg19) VCF-style: chr17-80038789-C-T.
Other names: short protein forms C2202Y.
Identifiers: ClinVar variation 2633229 (VCV002633229.4), dbSNP rs1284382784, ClinGen allele CA401599072.
Genomic context (GRCh38, chr17:82,080,913, plus strand): 5'-AGGGAGCGCAGGTTCAGCTGAGTCTGCTGCTGGGCCAGACCATCCTCCTTGGGCGTGGGG[C>T]ATGCCAGCTCTGTGAAGACAGGGGCAGATGCCAGGCTGGTCTGGGTGCAGAGCCCTGGCA-3'
Protein context (NP_004095.4, residues 2192-2212): SKADEASELA[Cys2202Tyr]PTPKEDGLAQ